The following is an entry in ClinVar:

NM_006031.6(PCNT):c.5230G>T (p.Glu1744Ter)

Gene: PCNT (pericentrin; plus strand). Cytogenetic location: 21q22.3.
Variant type: single nucleotide variant.
Coding change: c.5230G>T on transcript NM_006031.6 (MANE Select); coding-DNA position 5230, G replaced by T.
Protein change: p.Glu1744Ter; replaces glutamic acid 1744 with a stop codon.
Molecular consequence: nonsense.
Genome position (GRCh38, 1-based): chr21:46,411,303, G>T. VCF-style: chr21-46411303-G-T. GRCh37 (hg19) VCF-style: chr21-47831217-G-T.
Other names: c.4876G>T, p.Glu1626Ter (NM_001315529.2); short protein forms E1626*, E1744*.
Identifiers: ClinVar variation 2999803 (VCV002999803.3), dbSNP rs184825524, ClinGen allele CA321996676.

ClinVar aggregate classification (germline): Pathogenic (1 of 4 stars; one submission).

Allele frequency attached by ClinVar (database versions not stated): gnomAD exomes below 0.00001; gnomAD 0.00001; 1000 Genomes Project 0.00020; 1000 Genomes Project 30x 0.00031.
gnomAD v4.1: 2 of 1,614,218 alleles (0.00012%); highest among the groups gnomAD compares: East Asian, 0.0022%; no homozygotes.

Submission:

Labcorp Genetics (formerly Invitae), Labcorp
Classification: Pathogenic. Last evaluated: 2023-12-29. Review status: criteria provided, single submitter. Criteria: Invitae Variant Classification Sherloc (09022015). Collection method: clinical testing. Allele origin: germline.
Comment: This sequence change creates a premature translational stop signal (p.Glu1744*) in the PCNT gene. It is expected to result in an absent or disrupted protein product. Loss-of-function variants in PCNT are known to be pathogenic (PMID: 18174396, 22821869). This variant is present in population databases (rs184825524, gnomAD 0.006%). This variant has not been reported in the literature in individuals affected with PCNT-related conditions. For these reasons, this variant has been classified as Pathogenic.

Literature cited by the submitters: PubMed 18174396; PubMed 22821869.